The following is an entry in ClinVar:

ClinVar aggregate classification (germline): Uncertain significance. Review status: criteria provided, multiple submitters, no conflicts (2 of 4 stars). 2 submissions from 2 submitters: Uncertain significance (2). Last evaluated 2025-10-23.

Conditions:
Hereditary cancer-predisposing syndrome. Also called: Hereditary neoplastic syndrome; Neoplastic Syndromes, Hereditary; Tumor predisposition; Hereditary Cancer Syndrome. Identifiers: Orphanet 140162, MedGen C0027672, MeSH D009386, MONDO:0015356.

Allele frequency attached by ClinVar (database versions not stated): gnomAD exomes 0.00001.
gnomAD v4.1: 6 of 1,603,222 alleles (0.00037%); highest among the groups gnomAD compares: Non-Finnish European, 0.00051%; no homozygotes.

Submissions (2):

Ambry Genetics
Classification: Uncertain significance for Hereditary cancer-predisposing syndrome. Last evaluated: 2025-10-23. Review status: criteria provided, single submitter. Criteria: Ambry Variant Classification Scheme 2023. Collection method: clinical testing. Allele origin: germline.
Comment: The p.I45T variant (also known as c.134T>C), located in coding exon 2 of the RAD50 gene, results from a T to C substitution at nucleotide position 134. The isoleucine at codon 45 is replaced by threonine, an amino acid with similar properties. This amino acid position is highly conserved in available vertebrate species. In addition, this alteration is predicted to be deleterious by in silico analysis. Since supporting evidence is limited at this time, the clinical significance of this alteration remains unclear.

Labcorp Genetics (formerly Invitae), Labcorp
Classification: Uncertain significance for Hereditary cancer-predisposing syndrome. Last evaluated: 2024-04-15. Review status: criteria provided, single submitter. Criteria: Invitae Variant Classification Sherloc (09022015). Collection method: clinical testing. Allele origin: germline.
Comment: This sequence change replaces isoleucine, which is neutral and non-polar, with threonine, which is neutral and polar, at codon 45 of the RAD50 protein (p.Ile45Thr). This variant is not present in population databases (gnomAD no frequency). This variant has not been reported in the literature in individuals affected with RAD50-related conditions. ClinVar contains an entry for this variant (Variation ID: 185431). Advanced modeling of protein sequence and biophysical properties (such as structural, functional, and spatial information, amino acid conservation, physicochemical variation, residue mobility, and thermodynamic stability) performed at Invitae indicates that this missense variant is expected to disrupt RAD50 protein function with a positive predictive value of 80%. In summary, the available evidence is currently insufficient to determine the role of this variant in disease. Therefore, it has been classified as a Variant of Uncertain Significance.

NM_005732.4(RAD50):c.134T>C (p.Ile45Thr)

Gene: RAD50 (RAD50 double strand break repair protein; plus strand). Cytogenetic location: 5q31.1.
Variant type: single nucleotide variant.
Coding change: c.134T>C on transcript NM_005732.4 (MANE Select); coding-DNA position 134, T replaced by C.
Protein change: p.Ile45Thr; replaces isoleucine 45 with threonine.
Molecular consequence: missense variant.
Genome position (GRCh38, 1-based): chr5:132,559,288, T>C. VCF-style: chr5-132559288-T-C. GRCh37 (hg19) VCF-style: chr5-131894980-T-C.
Other names: short protein forms I45T.
Identifiers: ClinVar variation 185431 (VCV000185431.14), dbSNP rs786202168, ClinGen allele CA191933.